The following is an entry in ClinVar:

ClinVar aggregate classification (germline): Likely pathogenic (1 of 4 stars; one submission).

Conditions:
Autosomal semidominant COL4A3-related disorders.

Submission:

Variantyx, Inc.
Classification: Likely pathogenic for Autosomal semidominant COL4A3-related disorders. Last evaluated: 2025-10-27. Review status: criteria provided, single submitter. Criteria: Variantyx Assertion Criteria 2022. Collection method: clinical testing. Allele origin: germline. Inheritance: Semidominant inheritance. Affected: yes.
Comment: This is a frameshift variant in the COL4A3 gene (OMIM: 120070). Pathogenic variants in this gene have been associated with autosomal semidominant COL4A3-related disorders. This variant introduces a premature termination codon in exon 19 out of 52 and is expected to result in loss of function, which is a known disease mechanism for COL4A3 in these disorders (PMID: 8956999, 24854265, 26809805, 27281700) (PVS1). This variant is absent from control populations (PM2), and it has not been previously reported in individuals with COL4A3-related disorders in the databases available for review. Based on the current evidence, this variant is classified as likely pathogenic for autosomal semidominant COL4A3-related disorders.

Literature cited by the submitters: PubMed 8956999; PubMed 24854265; PubMed 26809805; PubMed 27281700.

NM_000091.5(COL4A3):c.1092del (p.Arg365fs)

Genes: COL4A3 (collagen type IV alpha 3 chain; plus strand), MFF-DT (MFF divergent transcript; minus strand). Cytogenetic location: 2q36.3.
Variant type: Deletion.
Coding change: c.1092del on transcript NM_000091.5 (MANE Select); coding-DNA position 1092, one base deleted (C; older notation c.1092delC).
Protein change: p.Arg365fs; shifts the reading frame from arginine 365.
Molecular consequence: frameshift variant.
Genome position (GRCh38, 1-based): chr2:227,259,855, C deleted; the last of 3 consecutive C bases (chr2:227,259,853-227,259,855); deleting any one gives the same sequence. VCF-style (leftmost placement, unchanged base first): chr2-227259852-GC-G. GRCh37 (hg19) VCF-style: chr2-228124568-GC-G.
Other names: short protein forms R365fs.
Identifiers: ClinVar variation 4852199 (VCV004852199.1).